The following is an entry in ClinVar:

ClinVar aggregate classification (germline): Benign/Likely benign. Review status: criteria provided, multiple submitters, no conflicts (2 of 4 stars). 2 submissions from 2 submitters: Benign (1); Likely benign (1). Last evaluated 2025-09-25.

Conditions:
Hereditary diffuse gastric adenocarcinoma (HDGC). Also called: DIFFUSE GASTRIC AND LOBULAR BREAST CANCER SYNDROME. Identifiers: Orphanet 26106, MedGen C1708349, MONDO:0007648, OMIM 137215.
CTNNA1-related disorder. Also called: CTNNA1-related condition.

gnomAD v4.1: 7 of 1,605,382 alleles (0.00044%); highest among the groups gnomAD compares: African/African-American, 0.008%; no homozygotes.

Submissions (2):

PreventionGenetics, part of Exact Sciences
Classification: Likely benign for CTNNA1-related condition. Last evaluated: 2025-09-25. Review status: criteria provided, single submitter. Criteria: ACMG Guidelines, 2015. Collection method: clinical testing. Allele origin: germline.
Comment: This variant is classified as likely benign based on ACMG/AMP sequence variant interpretation guidelines (Richards et al. 2015 PMID: 25741868, with internal and published modifications).

Myriad Genetics, Inc.
Classification: Benign for Hereditary diffuse gastric adenocarcinoma. Last evaluated: 2024-10-16. Review status: criteria provided, single submitter. Criteria: Myriad Autosomal Dominant, Autosomal Recessive and X-Linked Classification Criteria (2023). Collection method: clinical testing. Allele origin: unknown.
Comment: This variant is considered benign. This variant occurs in the non-coding 3' untranslated region of the gene, and is not expected to impact protein function.

NM_001903.5(CTNNA1):c.*5G>A

Gene: CTNNA1 (catenin alpha 1; plus strand). Cytogenetic location: 5q31.2.
Variant type: single nucleotide variant.
Coding change: c.*5G>A on transcript NM_001903.5 (MANE Select); 5 bases downstream of the stop codon, G replaced by A.
Molecular consequence: 3 prime UTR variant.
Genome position (GRCh38, 1-based): chr5:138,934,094, G>A. VCF-style: chr5-138934094-G-A. GRCh37 (hg19) VCF-style: chr5-138269783-G-A.
Other names: c.*271G>A (NM_001290307.3, NM_001324002.1, NM_001324003.1 and 2 more transcripts); c.*5G>A (NM_001290309.3, NM_001290310.3, NM_001290312.1 and 29 more transcripts).
Identifiers: ClinVar variation 3773276 (VCV003773276.2).